The following is an entry in ClinVar:

ClinVar aggregate classification (germline): Uncertain significance (1 of 4 stars; one submission).

Conditions:
Autoimmune lymphoproliferative syndrome, type III caused by mutation in PRKCD. Identifiers: Orphanet 3261, Orphanet 664711, MedGen C3809928, MONDO:8000024, OMIM 615559.

Allele frequency attached by ClinVar (database versions not stated): TOPMed below 0.00001; ExAC 0.00001; gnomAD 0.00001; gnomAD exomes 0.00001.
gnomAD v4.1: 9 of 1,613,944 alleles (0.00056%); highest among the groups gnomAD compares: Middle Eastern, 0.017%; no homozygotes.

Submission:

Labcorp Genetics (formerly Invitae), Labcorp
Classification: Uncertain significance for Autoimmune lymphoproliferative syndrome, type III caused by mutation in PRKCD. Last evaluated: 2021-09-01. Review status: criteria provided, single submitter. Criteria: Invitae Variant Classification Sherloc (09022015). Collection method: clinical testing. Allele origin: germline.
Comment: This sequence change replaces threonine with isoleucine at codon 295 of the PRKCD protein (p.Thr295Ile). The threonine residue is weakly conserved and there is a moderate physicochemical difference between threonine and isoleucine. This variant is present in population databases (rs782223934, ExAC 0.002%). This variant has not been reported in the literature in individuals affected with PRKCD-related conditions. Algorithms developed to predict the effect of missense changes on protein structure and function are either unavailable or do not agree on the potential impact of this missense change (SIFT: "Deleterious"; PolyPhen-2: "Benign"; Align-GVGD: "Class C15"). In summary, the available evidence is currently insufficient to determine the role of this variant in disease. Therefore, it has been classified as a Variant of Uncertain Significance.

NM_006254.4(PRKCD):c.884C>T (p.Thr295Ile)

Gene: PRKCD (protein kinase C delta; plus strand). Cytogenetic location: 3p21.1.
Variant type: single nucleotide variant.
Coding change: c.884C>T on transcript NM_006254.4 (MANE Select); coding-DNA position 884, C replaced by T.
Protein change: p.Thr295Ile; replaces threonine 295 with isoleucine.
Molecular consequence: missense variant.
Genome position (GRCh38, 1-based): chr3:53,184,970, C>T. VCF-style: chr3-53184970-C-T. GRCh37 (hg19) VCF-style: chr3-53218986-C-T.
Other names: c.884C>T, p.Thr295Ile (NM_001316327.2, NM_001354679.2, NM_001354680.2 and 1 more transcripts); c.941C>T, p.Thr314Ile (NM_001354676.2); c.932C>T, p.Thr311Ile (NM_001354678.2); short protein forms T295I, T314I, T311I.
Identifiers: ClinVar variation 941353 (VCV000941353.4), dbSNP rs782223934, ClinGen allele CA2451989.